The following is an entry in ClinVar:

NM_001267550.2(TTN):c.11311+2553A>C

Gene: TTN (titin; minus strand). Cytogenetic location: 2q31.2.
Variant type: single nucleotide variant.
Coding change: c.11311+2553A>C on transcript NM_001267550.2 (MANE Select); 2553 bases into the intron after coding-DNA position 11311, A replaced by C.
Molecular consequence: intron variant. On other transcripts: synonymous variant (1).
Genome position (GRCh38, 1-based): chr2:178,750,571, T>G on the plus strand (A>C on the coding strand, the complement: TTN is on the minus strand). VCF-style: chr2-178750571-T-G. GRCh37 (hg19) VCF-style: chr2-179615298-T-G.
Other names: c.11829A>C, p.Pro3943= (NM_133379.5); c.10222+2553A>C (NM_003319.4); c.10798+2553A>C (NM_133437.4); c.10597+2553A>C (NM_133432.3); c.10360+2553A>C (NM_133378.4, NM_001256850.1).
Identifiers: ClinVar variation 4958741 (VCV004958741.2).
Genomic context (GRCh38, chr2:178,750,571, plus strand): 5'-AAAATTACAACTGTCACCTTCATAAACTTCTTGAGATTCAATTTCTTGAAGAAATGAAGG[T>G]GGGCAACGTTGTGGGCGTTTTCGAAAAGAATTTTCAAAAAATCTCATGTTTTCTTCCTTC-3'

ClinVar aggregate classification (germline): Likely benign. Review status: criteria provided, multiple submitters, no conflicts (2 of 4 stars). 2 submissions from 2 submitters: Likely benign (2). Last evaluated 2025-05-21.

Conditions:
TTN-related disorder. Also called: TTN-related disorders; TTN-related condition; TTN-related disease.

gnomAD v4.1: 154 of 1,612,366 alleles (0.0096%); highest among the groups gnomAD compares: Non-Finnish European, 0.013%; no homozygotes.

Submissions (2):

PreventionGenetics, part of Exact Sciences
Classification: Likely benign for TTN-related condition. Last evaluated: 2025-05-21. Review status: criteria provided, single submitter. Criteria: ACMG Guidelines, 2015. Collection method: clinical testing. Allele origin: germline.
Comment: This variant is classified as likely benign based on ACMG/AMP sequence variant interpretation guidelines (Richards et al. 2015 PMID: 25741868, with internal and published modifications).

Blueprint Genetics
Classification: Likely benign. Last evaluated: 2022-07-04. Review status: criteria provided, single submitter. Criteria: ACMG Guidelines, 2015. Collection method: clinical testing. Allele origin: germline.